The following is an entry in ClinVar:

ClinVar aggregate classification (germline): Likely pathogenic (1 of 4 stars; one submission).

Conditions:
Hypoalphalipoproteinemia, primary, 1. Identifiers: Orphanet 425, MedGen C5231558, MONDO:0011393, OMIM 604091.

Submission:

New York Genome Center
Classification: Likely pathogenic for Hypoalphalipoproteinemia, primary, 1. Last evaluated: 2021-11-17. Review status: criteria provided, single submitter. Criteria: NYGC Assertion Criteria 2020. Collection method: clinical testing. Allele origin: germline. Affected: yes. Observed: 1 heterozygote.
Comment: The heterozygous c.4539T>A variant identified in the ABCA1 gene has not previously been reported in the literature or in the public variant repositories (ClinVar and LOVD), and is absent in the population databases (gnomAD v2.1.1 and v3.1.2, TOPMed Freeze 8), suggesting it is not a common benign variant in the populations represented in those databases. The predicted p.(Tyr1513Ter) variant resides in the exon 32 of this 50-exon gene, incorporates a premature stop codon, and is expected to result in loss-of-function via nonsense mediated decay. There are downstream stop-gain, frameshift, and missense variants reported as pathogenic/likely pathogenic in the literature and public variant repositories in individuals with Tangier disease or HDL deficiency. Based on available evidence the heterozygous c.4539T>A p.(Tyr1513Ter) stop-gain variant identified in the ABCA1 gene is reported as Likely Pathogenic.

NM_005502.4(ABCA1):c.4539T>A (p.Tyr1513Ter)

Gene: ABCA1 (ATP binding cassette subfamily A member 1; minus strand). Cytogenetic location: 9q31.1.
Variant type: single nucleotide variant.
Coding change: c.4539T>A on transcript NM_005502.4 (MANE Select); coding-DNA position 4539, T replaced by A.
Protein change: p.Tyr1513Ter; replaces tyrosine 1513 with a stop codon.
Molecular consequence: nonsense.
Genome position (GRCh38, 1-based): chr9:104,804,646, A>T on the plus strand (T>A on the coding strand, the complement: ABCA1 is on the minus strand). VCF-style: chr9-104804646-A-T. GRCh37 (hg19) VCF-style: chr9-107566927-A-T.
Other names: short protein forms Y1513*.
Identifiers: ClinVar variation 1803885 (VCV001803885.1), dbSNP rs1830613298, ClinGen allele CA374315268.
Genomic context (GRCh38, chr9:104,804,646, plus strand): 5'-AGTAATAATACGGCAGGGGCCAAGTTTAGTAAAAAGTCACCTTTTGGCTATGATCTGCAC[A>T]TACGTCTTCACCAGATAATCCGAAATGTTTCTTCCTGTCAGGTCCTGAAGGATATCTGCA-3'